The following is an entry in ClinVar:

NM_001148.6(ANK2):c.11718G>A (p.Arg3906=)

Gene: ANK2 (ankyrin 2; plus strand). Cytogenetic location: 4q26.
Variant type: single nucleotide variant.
Coding change: c.11718G>A on transcript NM_001148.6 (MANE Select); coding-DNA position 11718, G replaced by A.
Protein change: p.Arg3906=; no amino-acid change (arginine 3906 retained).
Molecular consequence: synonymous variant. On other transcripts: intron variant (9).
Genome position (GRCh38, 1-based): chr4:113,373,308, G>A. VCF-style: chr4-113373308-G-A. GRCh37 (hg19) VCF-style: chr4-114294464-G-A.
Other names: c.5436G>A, p.Arg1812= (NM_001127493.3); c.5475G>A, p.Arg1825= (NM_001354225.2); c.5457G>A, p.Arg1819= (NM_001354228.2); c.5442G>A, p.Arg1814= (NM_001354230.2); c.5598G>A, p.Arg1866= (NM_001354231.2); c.5592G>A, p.Arg1864= (NM_001354232.2); c.5553G>A, p.Arg1851= (NM_001354235.2); c.5361G>A, p.Arg1787= (NM_001354236.2); and 50 more.
Identifiers: ClinVar variation 215487 (VCV000215487.22), dbSNP rs35724152, ClinGen allele CA338525.

ClinVar aggregate classification (germline): Benign/Likely benign. Review status: criteria provided, multiple submitters, no conflicts (2 of 4 stars). 7 submissions from 7 submitters: Benign (4); Likely benign (2). 1 of the submissions does not count toward it. Last evaluated 2026-01-06.

Conditions:
ANK2-related disorder. Also called: ANK2-related condition.
Cardiovascular phenotype. Identifiers: MedGen CN230736.
Cardiac arrhythmia, ankyrin-B-related. Also called: ANKYRIN-B SYNDROME. Identifiers: Orphanet 101016, Orphanet 768, MedGen C1970119, MONDO:0010958, OMIM 600919.
Long QT syndrome (LQTS). Identifiers: MedGen C0023976, MeSH D008133, MONDO:0002442. Disease mechanism: loss of function. Inheritance: Various modes of inheritance.

Allele frequency attached by ClinVar (database versions not stated): gnomAD exomes 0.00031; ExAC 0.00043; ESP Exome Variant Server 0.00092; gnomAD 0.00117 and 0.00128; TOPMed 0.00131; 1000 Genomes Project 0.00180; 1000 Genomes Project 30x 0.00187.
gnomAD v4.1: 344 of 1,614,136 alleles (0.021%); highest among the groups gnomAD compares: African/African-American, 0.39%; 2 homozygotes.

Submissions (7):

Labcorp Genetics (formerly Invitae), Labcorp
Classification: Benign for Long QT syndrome. Last evaluated: 2026-01-06. Review status: criteria provided, single submitter. Criteria: Invitae Variant Classification Sherloc (09022015). Collection method: clinical testing. Allele origin: germline.

Genome-Nilou Lab
Classification: Benign for Cardiac arrhythmia, ankyrin-B-related. Last evaluated: 2021-12-05. Review status: criteria provided, single submitter. Criteria: ACMG Guidelines, 2015. Collection method: clinical testing. Allele origin: germline. Affected: no.

Women's Health and Genetics/Laboratory Corporation of America, LabCorp
Classification: Benign. Last evaluated: 2018-02-05. Review status: criteria provided, single submitter. Criteria: LabCorp Variant Classification Summary - May 2015. Collection method: clinical testing. Allele origin: germline.
Comment: Variant summary: ANK2 c.11718G>A alters a non-conserved nucleotide resulting in a synonymous change. Several computational tools predict a significant impact on normal splicing: Five predict the variant abolishes a cryptic exonic 5' splicing donor site. However, these predictions have yet to be confirmed by functional studies. The variant allele was found at a frequency of 0.00042 in 276830 control chromosomes in gnomAD. The observed variant frequency is approximately 41.9 fold of the estimated maximal expected allele frequency for a pathogenic variant in ANK2 causing Arrhythmia phenotype (1e-05), strongly suggesting that the variant is benign. To our knowledge, no occurrence of c.11718G>A in individuals affected with Arrhythmia and no experimental evidence demonstrating its impact on protein function have been reported. One clinical diagnostic laboratory has submitted clinical-significance assessments for this variant to ClinVar after 2014 without evidence for independent evaluation, and has classified the variant as benign. Based on the evidence outlined above, the variant was classified as benign.

Ambry Genetics
Classification: Likely benign for Cardiovascular phenotype. Last evaluated: 2017-04-04. Review status: criteria provided, single submitter. Criteria: Ambry Variant Classification Scheme 2023. Collection method: clinical testing. Allele origin: germline.

GeneDx
Classification: Benign. Last evaluated: 2015-03-03. Review status: criteria provided, single submitter. Criteria: GeneDx Variant Classification Process June 2021. Collection method: clinical testing. Allele origin: germline. Affected: yes.

Breakthrough Genomics
Classification: Likely benign. Review status: criteria provided, single submitter. Criteria: ACMG Guidelines, 2015. Collection method: not provided. Allele origin: germline. Inheritance: Autosomal dominant inheritance. Affected: yes.

PreventionGenetics, part of Exact Sciences
Classification: Benign for ANK2-related condition. Last evaluated: 2019-05-02. Review status: no assertion criteria provided. Collection method: clinical testing. Allele origin: germline. Not counted in ClinVar's aggregate classification.
Comment: This variant is classified as benign based on ACMG/AMP sequence variant interpretation guidelines (Richards et al. 2015 PMID: 25741868, with internal and published modifications).